The following is an entry in ClinVar:

NM_021927.3(GUF1):c.1760A>G (p.Lys587Arg)

Gene: GUF1 (GTP binding elongation factor GUF1; plus strand). Cytogenetic location: 4p12.
Variant type: single nucleotide variant.
Coding change: c.1760A>G on transcript NM_021927.3 (MANE Select); coding-DNA position 1760, A replaced by G.
Protein change: p.Lys587Arg; replaces lysine 587 with arginine.
Molecular consequence: missense variant. On other transcripts: intron variant (1).
Genome position (GRCh38, 1-based): chr4:44,695,659, A>G. VCF-style: chr4-44695659-A-G. GRCh37 (hg19) VCF-style: chr4-44697676-A-G.
Other names: c.788A>G, p.Lys263Arg (NM_001345867.2, NM_001345869.2); c.1715+1146A>G (NM_001345868.2); short protein forms K263R, K587R.
Identifiers: ClinVar variation 4761919 (VCV004761919.1).

ClinVar aggregate classification (germline): Uncertain significance (1 of 4 stars; one submission).

Submission:

Labcorp Genetics (formerly Invitae), Labcorp
Classification: Uncertain significance. Last evaluated: 2025-08-20. Review status: criteria provided, single submitter. Criteria: Invitae Variant Classification Sherloc (09022015). Collection method: clinical testing. Allele origin: germline.
Comment: This sequence change replaces lysine, which is basic and polar, with arginine, which is basic and polar, at codon 587 of the GUF1 protein (p.Lys587Arg). This variant is not present in population databases (gnomAD no frequency). This variant has not been reported in the literature in individuals affected with GUF1-related conditions. An algorithm developed to predict the effect of missense changes on protein structure and function (PolyPhen-2) suggests that this variant is likely to be disruptive. In summary, the available evidence is currently insufficient to determine the role of this variant in disease. Therefore, it has been classified as a Variant of Uncertain Significance.